The following is an entry in ClinVar:

NM_001029883.3(PCARE):c.2951G>A (p.Arg984Gln)

Gene: PCARE (photoreceptor cilium actin regulator; minus strand). Cytogenetic location: 2p23.2.
Variant type: single nucleotide variant.
Coding change: c.2951G>A on transcript NM_001029883.3 (MANE Select); coding-DNA position 2951, G replaced by A.
Protein change: p.Arg984Gln; replaces arginine 984 with glutamine.
Molecular consequence: missense variant.
Genome position (GRCh38, 1-based): chr2:29,071,311, C>T on the plus strand (G>A on the coding strand, the complement: PCARE is on the minus strand). VCF-style: chr2-29071311-C-T. GRCh37 (hg19) VCF-style: chr2-29294177-C-T.
Other names: short protein forms R984Q.
Identifiers: ClinVar variation 845476 (VCV000845476.10), dbSNP rs367888126, ClinGen allele CA1592075.
Genomic context (GRCh38, chr2:29,071,311, plus strand): 5'-TGAGGCACCCAGTGTGTCCTCGTGGGAGAGGCCTTTCTGCCCACAGGGGGGCTTCTCTCT[C>T]GGCTCTGCCTTGGTCTGGCCAGGCTGGACTCTGAGGTCCTGTTTTGTCCAGATGGAGGGC-3'
Protein context (NP_001025054.1, residues 974-994): ESSLARPRQS[Arg984Gln]ERSPPVGRKA

ClinVar aggregate classification (germline): Uncertain significance. Review status: criteria provided, multiple submitters, no conflicts (2 of 4 stars). 4 submissions from 4 submitters: Uncertain significance (4). Last evaluated 2026-08-27.

Conditions:
PCARE-related disorder. Also called: PCARE-related condition.
Retinitis pigmentosa (RP). Identifiers: Orphanet 791, MedGen C0035334, MeSH D012174, MONDO:0019200, OMIM 268000. Inheritance: Autosomal dominant, autosomal recessive and X linked inheritance.

Allele frequency attached by ClinVar (database versions not stated): ESP Exome Variant Server 0.00008; TOPMed 0.00010; gnomAD 0.00011; gnomAD exomes 0.00012; ExAC 0.00015.
gnomAD v4.1: 273 of 1,613,332 alleles (0.017%); highest among the groups gnomAD compares: South Asian, 0.036%; 2 homozygotes.

Submissions (4):

PreventionGenetics, part of Exact Sciences
Classification: Uncertain significance for PCARE-related condition. Last evaluated: 2026-08-27. Review status: criteria provided, single submitter. Criteria: ACMG Guidelines, 2015. Collection method: clinical testing. Allele origin: germline.
Comment: The PCARE c.2951G>A variant is predicted to result in the amino acid substitution p.Arg984Gln. To our knowledge, this variant has not been reported in the literature. This variant is reported in 0.033% of alleles in individuals of South Asian descent in gnomAD. At this time, the clinical significance of this variant is uncertain due to the absence of conclusive functional and genetic evidence.

Blueprint Genetics
Classification: Uncertain significance. Last evaluated: 2024-11-15. Review status: criteria provided, single submitter. Criteria: ACMG Guidelines, 2015. Collection method: clinical testing. Allele origin: germline.

Labcorp Genetics (formerly Invitae), Labcorp
Classification: Uncertain significance. Last evaluated: 2022-05-17. Review status: criteria provided, single submitter. Criteria: Invitae Variant Classification Sherloc (09022015). Collection method: clinical testing. Allele origin: germline.
Comment: This sequence change replaces arginine, which is basic and polar, with glutamine, which is neutral and polar, at codon 984 of the PCARE protein (p.Arg984Gln). This variant is present in population databases (rs367888126, gnomAD 0.03%). This variant has not been reported in the literature in individuals affected with PCARE-related conditions. ClinVar contains an entry for this variant (Variation ID: 845476). Algorithms developed to predict the effect of missense changes on protein structure and function output the following: SIFT: "Tolerated"; PolyPhen-2: "Benign"; Align-GVGD: "Class C0". The glutamine amino acid residue is found in multiple mammalian species, which suggests that this missense change does not adversely affect protein function. In summary, the available evidence is currently insufficient to determine the role of this variant in disease. Therefore, it has been classified as a Variant of Uncertain Significance.

Illumina Laboratory Services, Illumina
Classification: Uncertain significance for Retinitis pigmentosa. Last evaluated: 2017-04-27. Review status: criteria provided, single submitter. Criteria: ICSL Variant Classification Criteria 13 December 2019. Collection method: clinical testing. Allele origin: germline.